The following is an entry in ClinVar:

NM_148960.3(CLDN19):c.646G>A (p.Ala216Thr)

Gene: CLDN19 (claudin 19; minus strand). Cytogenetic location: 1p34.2.
Variant type: single nucleotide variant.
Coding change: c.646G>A on transcript NM_148960.3 (MANE Select); coding-DNA position 646, G replaced by A.
Protein change: p.Ala216Thr; replaces alanine 216 with threonine.
Molecular consequence: missense variant. On other transcripts: 3 prime UTR variant (2).
Genome position (GRCh38, 1-based): chr1:42,735,115, C>T on the plus strand (G>A on the coding strand, the complement: CLDN19 is on the minus strand). VCF-style: chr1-42735115-C-T. GRCh37 (hg19) VCF-style: chr1-43200786-C-T.
Other names: c.*753G>A (NM_001123395.2); c.*647G>A (NM_001185117.2); short protein forms A216T.
Identifiers: ClinVar variation 836436 (VCV000836436.12), dbSNP rs147528059, ClinGen allele CA801299.
Genomic context (GRCh38, chr1:42,735,115, plus strand): 5'-CAGGGGACAGAGCCTGGCTGGGGACTGGACATTACACACCCAGGGGGCCCTTGGCGGAGG[C>T]GGGCAATTTAACAACTGGTCTGAAAGTCAAAAGAGAGAGAGCTGGTTAGTGGAGTGAGCT-3'
Protein context (NP_683763.2, residues 206-224): AAREPVVKLP[Ala216Thr]SAKGPLGV

ClinVar aggregate classification (germline): Uncertain significance. Review status: criteria provided, multiple submitters, no conflicts (2 of 4 stars). 5 submissions from 5 submitters: Uncertain significance (5). Last evaluated 2024-01-19.

Conditions:
Renal hypomagnesemia 5 with ocular involvement. Also called: FHHNC WITH SEVERE OCULAR INVOLVEMENT; HYPOMAGNESEMIA, FAMILIAL, WITH HYPERCALCIURIA, NEPHROCALCINOSIS, AND SEVERE OCULAR INVOLVEMENT; MACULAR COLOBOMA, BILATERAL, WITH HYPERCALCIURIA; HYPOMAGNESEMIA 5, RENAL, WITH OR WITHOUT OCULAR INVOLVEMENT. Identifiers: Orphanet 2196, MedGen C4721891, MONDO:0009548, OMIM 248190.
Inborn genetic diseases. Identifiers: MedGen C0950123, MeSH D030342.

Allele frequency attached by ClinVar (database versions not stated): 1000 Genomes Project 30x 0.00016; 1000 Genomes Project 0.00020; ExAC 0.00027; gnomAD exomes 0.00034 and 0.00044; TOPMed 0.00042; gnomAD 0.00046; ESP Exome Variant Server 0.00077.
gnomAD v4.1: 699 of 1,613,794 alleles (0.043%); highest among the groups gnomAD compares: Non-Finnish European, 0.055%; no homozygotes.

Submissions (5):

Ambry Genetics
Classification: Uncertain significance for Inborn genetic diseases. Last evaluated: 2024-01-19. Review status: criteria provided, single submitter. Criteria: Ambry Variant Classification Scheme 2023. Collection method: clinical testing. Allele origin: germline.

Fulgent Genetics
Classification: Uncertain significance for Renal hypomagnesemia 5 with ocular involvement. Last evaluated: 2024-01-15. Review status: criteria provided, single submitter. Criteria: ACMG Guidelines, 2015. Collection method: clinical testing. Allele origin: germline.

Labcorp Genetics (formerly Invitae), Labcorp
Classification: Uncertain significance. Last evaluated: 2022-10-24. Review status: criteria provided, single submitter. Criteria: Invitae Variant Classification Sherloc (09022015). Collection method: clinical testing. Allele origin: germline.
Comment: This sequence change replaces alanine, which is neutral and non-polar, with threonine, which is neutral and polar, at codon 216 of the CLDN19 protein (p.Ala216Thr). This variant is present in population databases (rs147528059, gnomAD 0.08%). This variant has not been reported in the literature in individuals affected with CLDN19-related conditions. ClinVar contains an entry for this variant (Variation ID: 836436). Algorithms developed to predict the effect of missense changes on protein structure and function (SIFT, PolyPhen-2, Align-GVGD) all suggest that this variant is likely to be tolerated. In summary, the available evidence is currently insufficient to determine the role of this variant in disease. Therefore, it has been classified as a Variant of Uncertain Significance.

Illumina Laboratory Services, Illumina
Classification: Uncertain significance for Renal hypomagnesemia 5 with ocular involvement. Last evaluated: 2018-01-12. Review status: criteria provided, single submitter. Criteria: ICSL Variant Classification Criteria 13 December 2019. Collection method: clinical testing. Allele origin: germline.

Breakthrough Genomics
Classification: Uncertain significance. Review status: criteria provided, single submitter. Criteria: ACMG Guidelines, 2015. Collection method: not provided. Allele origin: germline. Inheritance: Autosomal recessive inheritance. Affected: yes.